The following is an entry in ClinVar:

NC_000010.10:g.(?_73375251)_(73375383_?)del

Gene: CDH23 (cadherin related 23; plus strand). Cytogenetic location: 10q22.1.
Variant type: Deletion.
Identifiers: ClinVar variation 1456754 (VCV001456754.4).

ClinVar aggregate classification (germline): Pathogenic (1 of 4 stars; one submission).

Submission:

Labcorp Genetics (formerly Invitae), Labcorp
Classification: Pathogenic. Last evaluated: 2021-08-07. Review status: criteria provided, single submitter. Criteria: Invitae Variant Classification Sherloc (09022015). Collection method: clinical testing. Allele origin: germline.
Comment: This variant is a gross deletion of the genomic region encompassing exon(s) 10 of the CDH23 gene. This deletion is out-of-frame, and is expected to create a premature termination codon and result in an absent or disrupted protein product. Loss-of-function variants in CDH23 are known to be pathogenic (PMID: 11138009, 21940737). This variant has not been reported in the literature in individuals affected with CDH23-related conditions. For these reasons, this variant has been classified as Pathogenic.

Literature cited by the submitters: PubMed 11138009; PubMed 21940737.